The following is an entry in ClinVar:

NM_001100.4(ACTA1):c.922T>C (p.Tyr308His)

Gene: ACTA1 (actin alpha 1, skeletal muscle; minus strand). Cytogenetic location: 1q42.13.
Variant type: single nucleotide variant.
Coding change: c.922T>C on transcript NM_001100.4 (MANE Select); coding-DNA position 922, T replaced by C.
Protein change: p.Tyr308His; replaces tyrosine 308 with histidine.
Molecular consequence: missense variant.
Genome position (GRCh38, 1-based): chr1:229,431,789, A>G on the plus strand (T>C on the coding strand, the complement: ACTA1 is on the minus strand). VCF-style: chr1-229431789-A-G. GRCh37 (hg19) VCF-style: chr1-229567536-A-G.
Other names: short protein forms Y308H.
Identifiers: ClinVar variation 1349349 (VCV001349349.6), dbSNP rs2102735230, ClinGen allele CA345145651.

ClinVar aggregate classification (germline): Uncertain significance (1 of 4 stars; one submission).

Conditions:
Actin accumulation myopathy (CMYO2A). Also called: CONGENITAL MYOPATHY 2A, TYPICAL, AUTOSOMAL DOMINANT; Nemaline myopathy type 3; Myopathy, actin, congenital, with excess of thin myofilaments; Myopathy, actin, congenital, with cores; Nemaline myopathy 3, with intranuclear rods. Identifiers: Orphanet 98904, MedGen C3711389, MONDO:0008070, OMIM 161800.

Submission:

Labcorp Genetics (formerly Invitae), Labcorp
Classification: Uncertain significance for Actin accumulation myopathy. Last evaluated: 2021-08-27. Review status: criteria provided, single submitter. Criteria: Invitae Variant Classification Sherloc (09022015). Collection method: clinical testing. Allele origin: germline.
Comment: This sequence change replaces tyrosine with histidine at codon 308 of the ACTA1 protein (p.Tyr308His). The tyrosine residue is highly conserved and there is a moderate physicochemical difference between tyrosine and histidine. This variant is not present in population databases (ExAC no frequency). This variant has not been reported in the literature in individuals affected with ACTA1-related conditions. Advanced modeling of protein sequence and biophysical properties (such as structural, functional, and spatial information, amino acid conservation, physicochemical variation, residue mobility, and thermodynamic stability) performed at Invitae indicates that this missense variant is expected to disrupt ACTA1 protein function. In summary, the available evidence is currently insufficient to determine the role of this variant in disease. Therefore, it has been classified as a Variant of Uncertain Significance.